The following is an entry in ClinVar:

ClinVar aggregate classification (germline): Benign/Likely benign. Review status: criteria provided, multiple submitters, no conflicts (2 of 4 stars). 3 submissions from 3 submitters: Benign (2); Likely benign (1). Last evaluated 2026-06-01.

Allele frequency attached by ClinVar (database versions not stated): gnomAD 0.00120 and 0.00139; TOPMed 0.00141; ESP Exome Variant Server 0.00162; gnomAD exomes 0.00202 and 0.00273; 1000 Genomes Project 30x 0.00219; 1000 Genomes Project 0.00220; ExAC 0.00319.
gnomAD v4.1: 3,179 of 1,613,722 alleles (0.2%); highest among the groups gnomAD compares: Middle Eastern, 0.87%; 15 homozygotes.

Submissions (3):

CeGaT Center for Human Genetics Tuebingen
Classification: Likely benign. Last evaluated: 2026-06-01. Review status: criteria provided, single submitter. Criteria: CeGaT Center For Human Genetics Tuebingen Variant Classification Criteria Version 2. Collection method: clinical testing. Allele origin: germline. Affected: yes. Observed: 4 variant alleles.
Comment: CCNF: BP4, BS2

Labcorp Genetics (formerly Invitae), Labcorp
Classification: Benign. Last evaluated: 2019-12-31. Review status: criteria provided, single submitter. Criteria: Invitae Variant Classification Sherloc (09022015). Collection method: clinical testing. Allele origin: germline.

Breakthrough Genomics
Classification: Benign. Review status: criteria provided, single submitter. Criteria: ACMG Guidelines, 2015. Collection method: not provided. Allele origin: germline. Inheritance: Autosomal dominant inheritance. Affected: yes.

NM_001761.3(CCNF):c.1217G>A (p.Arg406Gln)

Gene: CCNF (cyclin F; plus strand). Cytogenetic location: 16p13.3.
Variant type: single nucleotide variant.
Coding change: c.1217G>A on transcript NM_001761.3 (MANE Select); coding-DNA position 1217, G replaced by A.
Protein change: p.Arg406Gln; replaces arginine 406 with glutamine.
Molecular consequence: missense variant.
Genome position (GRCh38, 1-based): chr16:2,448,977, G>A. VCF-style: chr16-2448977-G-A. GRCh37 (hg19) VCF-style: chr16-2498978-G-A.
Other names: c.293G>A, p.Arg98Gln (NM_001323538.2); short protein forms R98Q, R406Q.
Identifiers: ClinVar variation 735821 (VCV000735821.29), dbSNP rs146438723, ClinGen allele CA7842378.